The following is an entry in ClinVar:

NM_001023570.4(IQCB1):c.62C>T (p.Pro21Leu)

Gene: IQCB1 (IQ motif containing B1; minus strand). Cytogenetic location: 3q13.33.
Variant type: single nucleotide variant.
Coding change: c.62C>T on transcript NM_001023570.4 (MANE Select); coding-DNA position 62, C replaced by T.
Protein change: p.Pro21Leu; replaces proline 21 with leucine.
Molecular consequence: missense variant. On other transcripts: non-coding transcript variant (1).
Genome position (GRCh38, 1-based): chr3:121,828,899, G>A on the plus strand (C>T on the coding strand, the complement: IQCB1 is on the minus strand). VCF-style: chr3-121828899-G-A. GRCh37 (hg19) VCF-style: chr3-121547746-G-A.
Other names: c.62C>T, p.Pro21Leu (NM_001023571.4, NM_001319107.2); short protein forms P21L.
Identifiers: ClinVar variation 1449660 (VCV001449660.3), dbSNP rs370459157, ClinGen allele CA2567529.
Genomic context (GRCh38, chr3:121,828,899, plus strand): 5'-AATCACAAAAAGATTTTCTTACCTTTTAACTTCAACAGTATAACAGGGACATTCTGCTCA[G>A]GGCTTTTTGCAACTTCAGCAGCTATAGATAAGATCCTTGGGTCTGTACCTGTTGGCTTCA-3'
Protein context (NP_001018864.2, residues 11-31): LSIAAEVAKS[Pro21Leu]EQNVPVILLK

ClinVar aggregate classification (germline): Uncertain significance (1 of 4 stars; one submission).

Conditions:
Nephronophthisis. Also called: Juvenile Nephronophthisis. Identifiers: Orphanet 655, MedGen C0687120, MONDO:0019005, HP:0000090.

Allele frequency attached by ClinVar (database versions not stated): gnomAD exomes below 0.00001; ExAC 0.00001; gnomAD 0.00003; ESP Exome Variant Server 0.00008.
gnomAD v4.1: 8 of 1,610,980 alleles (0.0005%); highest among the groups gnomAD compares: African/African-American, 0.011%; no homozygotes.

Submission:

Labcorp Genetics (formerly Invitae), Labcorp
Classification: Uncertain significance for Nephronophthisis. Last evaluated: 2022-04-29. Review status: criteria provided, single submitter. Criteria: Invitae Variant Classification Sherloc (09022015). Collection method: clinical testing. Allele origin: germline.
Comment: This sequence change replaces proline, which is neutral and non-polar, with leucine, which is neutral and non-polar, at codon 21 of the IQCB1 protein (p.Pro21Leu). This variant is present in population databases (rs370459157, gnomAD 0.007%). This variant has not been reported in the literature in individuals affected with IQCB1-related conditions. Algorithms developed to predict the effect of missense changes on protein structure and function are either unavailable or do not agree on the potential impact of this missense change (SIFT: "Deleterious"; PolyPhen-2: "Possibly Damaging"; Align-GVGD: "Class C15"). In summary, the available evidence is currently insufficient to determine the role of this variant in disease. Therefore, it has been classified as a Variant of Uncertain Significance.